The following is an entry in ClinVar:

NM_001385012.1(NBEA):c.3620A>G (p.Glu1207Gly)

Gene: NBEA (neurobeachin; plus strand). Cytogenetic location: 13q13.3.
Variant type: single nucleotide variant.
Coding change: c.3620A>G on transcript NM_001385012.1 (MANE Select); coding-DNA position 3620, A replaced by G.
Protein change: p.Glu1207Gly; replaces glutamic acid 1207 with glycine.
Molecular consequence: missense variant.
Genome position (GRCh38, 1-based): chr13:35,159,791, A>G. VCF-style: chr13-35159791-A-G. GRCh37 (hg19) VCF-style: chr13-35733928-A-G.
Other names: c.3620A>G, p.Glu1207Gly (NM_015678.5, NM_001379245.1); short protein forms E1207G.
Identifiers: ClinVar variation 3637993 (VCV003637993.2).

ClinVar aggregate classification (germline): Uncertain significance (1 of 4 stars; one submission).

Submission:

Labcorp Genetics (formerly Invitae), Labcorp
Classification: Uncertain significance. Last evaluated: 2024-02-27. Review status: criteria provided, single submitter. Criteria: Invitae Variant Classification Sherloc (09022015). Collection method: clinical testing. Allele origin: germline.
Comment: This sequence change replaces glutamic acid, which is acidic and polar, with glycine, which is neutral and non-polar, at codon 1207 of the NBEA protein (p.Glu1207Gly). This variant is not present in population databases (gnomAD no frequency). This variant has not been reported in the literature in individuals affected with NBEA-related conditions. Advanced modeling of protein sequence and biophysical properties (such as structural, functional, and spatial information, amino acid conservation, physicochemical variation, residue mobility, and thermodynamic stability) performed at Invitae indicates that this missense variant is not expected to disrupt NBEA protein function with a negative predictive value of 80%. In summary, the available evidence is currently insufficient to determine the role of this variant in disease. Therefore, it has been classified as a Variant of Uncertain Significance.